The following is an entry in ClinVar:

NM_005591.4(MRE11):c.924C>T (p.Phe308=)

Gene: MRE11 (MRE11 double strand break repair nuclease; minus strand). Cytogenetic location: 11q21.
Variant type: single nucleotide variant.
Coding change: c.924C>T on transcript NM_005591.4 (MANE Select); coding-DNA position 924, C replaced by T.
Protein change: p.Phe308=; no amino-acid change (phenylalanine 308 retained).
Molecular consequence: synonymous variant.
Genome position (GRCh38, 1-based): chr11:94,470,564, G>A on the plus strand (C>T on the coding strand, the complement: MRE11 is on the minus strand). VCF-style: chr11-94470564-G-A. GRCh37 (hg19) VCF-style: chr11-94203730-G-A.
Other names: c.924C>T, p.Phe308= (NM_001330347.2, NM_005590.4).
Identifiers: ClinVar variation 232885 (VCV000232885.17), dbSNP rs138595973, ClinGen allele CA6235261.

ClinVar aggregate classification (germline): Likely benign. Review status: criteria provided, multiple submitters, no conflicts (2 of 4 stars). 4 submissions from 4 submitters: Likely benign (3). 1 of the submissions does not count toward it. Last evaluated 2024-11-19.

Conditions:
Ataxia-telangiectasia-like disorder (ATLD). Identifiers: MedGen C1858391, MONDO:0011457.
MRE11-related disorder. Also called: MRE11-related condition.
Hereditary cancer-predisposing syndrome. Also called: Neoplastic Syndromes, Hereditary; Tumor predisposition; Hereditary Cancer Syndrome; Hereditary neoplastic syndrome. Identifiers: Orphanet 140162, MedGen C0027672, MeSH D009386, MONDO:0015356.

Allele frequency attached by ClinVar (database versions not stated): ESP Exome Variant Server 0.00008.
gnomAD v4.1: 15 of 1,613,182 alleles (0.00093%); highest among the groups gnomAD compares: African/African-American, 0.011%; no homozygotes.

Submissions (4):

Athena Diagnostics
Classification: Likely benign. Last evaluated: 2024-11-19. Review status: criteria provided, single submitter. Criteria: Athena Diagnostics Criteria. Collection method: clinical testing. Allele origin: unknown.

Labcorp Genetics (formerly Invitae), Labcorp
Classification: Likely benign for Ataxia-telangiectasia-like disorder. Last evaluated: 2023-11-14. Review status: criteria provided, single submitter. Criteria: Invitae Variant Classification Sherloc (09022015). Collection method: clinical testing. Allele origin: germline.

Ambry Genetics
Classification: Likely benign for Hereditary cancer-predisposing syndrome. Last evaluated: 2015-07-15. Review status: criteria provided, single submitter. Criteria: Ambry Variant Classification Scheme 2023. Collection method: clinical testing. Allele origin: germline.

PreventionGenetics, part of Exact Sciences
Classification: Likely benign for MRE11-related condition. Last evaluated: 2019-06-02. Review status: no assertion criteria provided. Collection method: clinical testing. Allele origin: germline. Not counted in ClinVar's aggregate classification.
Comment: This variant is classified as likely benign based on ACMG/AMP sequence variant interpretation guidelines (Richards et al. 2015 PMID: 25741868, with internal and published modifications).